The following is an entry in ClinVar:

ClinVar aggregate classification (germline): Uncertain significance. Review status: criteria provided, single submitter (1 of 4 stars). 2 submissions from 2 submitters: Uncertain significance (1). 1 of the submissions does not count toward it. Last evaluated 2022-12-26.

Conditions:
Stormorken syndrome (STRMK). Also called: THROMBOCYTOPATHY, ASPLENIA, AND MIOSIS. Identifiers: Orphanet 3204, MedGen C1861451, MONDO:0008497, OMIM 185070.
Combined immunodeficiency due to STIM1 deficiency. Also called: IMMUNODEFICIENCY 10; STIM1 DEFICIENCY. Identifiers: Orphanet 169090, Orphanet 317430, MedGen C2748557, MONDO:0013008, OMIM 612783.
Myopathy with tubular aggregates (TAM). Also called: Tubular Aggregate Myopathy. Identifiers: Orphanet 2593, MedGen C0410207, MONDO:0008051.

Submissions (2):

Labcorp Genetics (formerly Invitae), Labcorp
Classification: Uncertain significance for Myopathy with tubular aggregates; Combined immunodeficiency due to STIM1 deficiency; Stormorken syndrome. Last evaluated: 2022-12-26. Review status: criteria provided, single submitter. Criteria: Invitae Variant Classification Sherloc (09022015). Collection method: clinical testing. Allele origin: germline.
Comment: ClinVar contains an entry for this variant (Variation ID: 1691249). In summary, the available evidence is currently insufficient to determine the role of this variant in disease. Therefore, it has been classified as a Variant of Uncertain Significance. Advanced modeling of protein sequence and biophysical properties (such as structural, functional, and spatial information, amino acid conservation, physicochemical variation, residue mobility, and thermodynamic stability) has been performed at Invitae for this missense variant, however the output from this modeling did not meet the statistical confidence thresholds required to predict the impact of this variant on STIM1 protein function. This variant has not been reported in the literature in individuals affected with STIM1-related conditions. This variant is not present in population databases (gnomAD no frequency). This sequence change replaces glutamine, which is neutral and polar, with histidine, which is basic and polar, at codon 432 of the STIM1 protein (p.Gln432His).

ISTH-SSC Genomics in Thrombosis and Hemostasis, KU Leuven, Center for Molecular and Vascular Biology
Classification: Uncertain significance for Stormorken syndrome. Review status: no assertion criteria provided. Collection method: clinical testing. Allele origin: germline. Affected: yes. Not counted in ClinVar's aggregate classification.
Comment: Submitted to GoldVariant by Juliana Perez Botero from Versiti Diagnostic Laboratories, USA

NM_001382567.1(STIM1):c.1296G>T (p.Gln432His)

Gene: STIM1 (stromal interaction molecule 1; plus strand). Cytogenetic location: 11p15.4.
Variant type: single nucleotide variant.
Coding change: c.1296G>T on transcript NM_001382567.1 (MANE Select); coding-DNA position 1296, G replaced by T.
Protein change: p.Gln432His; replaces glutamine 432 with histidine.
Molecular consequence: missense variant. On other transcripts: non-coding transcript variant (2).
Genome position (GRCh38, 1-based): chr11:4,083,320, G>T. VCF-style: chr11-4083320-G-T. GRCh37 (hg19) VCF-style: chr11-4104550-G-T.
Other names: c.1296G>T, p.Gln432His (NM_001277961.3, NM_001277962.2, NM_003156.4); c.1074G>T, p.Gln358His (NM_001382566.1, NM_001382573.1, NM_001382575.1 and 4 more transcripts); c.1317G>T, p.Gln439His (NM_001382568.1); c.1161G>T, p.Gln387His (NM_001382569.1); c.1068G>T, p.Gln356His (NM_001382570.1); c.816G>T, p.Gln272His (NM_001382571.1); c.807G>T, p.Gln269His (NM_001382580.1, NM_001382581.1); short protein forms Q269H, Q272H, Q356H, Q358H, Q387H, Q432H, Q439H.
Identifiers: ClinVar variation 1691249 (VCV001691249.4), dbSNP rs2133226066, ClinGen allele CA379194152.